The following is an entry in ClinVar:

ClinVar aggregate classification (germline): Uncertain significance (1 of 4 stars; one submission).

gnomAD v4.1: 2 of 1,613,986 alleles (0.00012%); highest among the groups gnomAD compares: African/African-American, 0.0027%; no homozygotes.

Submission:

GeneDx
Classification: Uncertain significance. Last evaluated: 2026-03-31. Review status: criteria provided, single submitter. Criteria: GeneDx Variant Classification Process June 2021. Collection method: clinical testing. Allele origin: germline.
Comment: In silico analysis supports that this missense variant has a deleterious effect on protein structure/function; Has not been previously published as pathogenic or benign to our knowledge

NM_213618.2(DENND2B):c.1402G>A (p.Glu468Lys)

Gene: DENND2B (DENN domain containing 2B; minus strand). Cytogenetic location: 11p15.4.
Variant type: single nucleotide variant.
Coding change: c.1402G>A on transcript NM_213618.2 (MANE Select); coding-DNA position 1402, G replaced by A.
Protein change: p.Glu468Lys; replaces glutamic acid 468 with lysine.
Molecular consequence: missense variant. On other transcripts: 5 prime UTR variant (1), non-coding transcript variant (9), intron variant (1).
Genome position (GRCh38, 1-based): chr11:8,726,148, C>T on the plus strand (G>A on the coding strand, the complement: DENND2B is on the minus strand). VCF-style: chr11-8726148-C-T. GRCh37 (hg19) VCF-style: chr11-8747695-C-T.
Other names: c.1402G>A, p.Glu468Lys (NM_001376495.1, NM_001376496.1, NM_001376497.1 and 2 more transcripts); c.862G>A, p.Glu288Lys (NM_001376499.1); c.721G>A, p.Glu241Lys (NM_001376500.1); c.142G>A, p.Glu48Lys (NM_001376501.1, NM_001376502.1, NM_001376503.1 and 2 more transcripts); c.-183G>A (NM_001376506.1); c.-107-8256G>A (NM_001376505.1); short protein forms E241K, E288K, E468K, E48K.
Identifiers: ClinVar variation 5017830 (VCV005017830.1).